The following is an entry in ClinVar:

NM_001399.5(EDA):c.527-2A>G

Gene: EDA (ectodysplasin A; plus strand). Cytogenetic location: Xq13.1.
Variant type: single nucleotide variant.
Coding change: c.527-2A>G on transcript NM_001399.5 (MANE Select); the canonical splice acceptor site of the intron before coding-DNA position 527, A replaced by G.
Molecular consequence: splice acceptor variant.
Genome position (GRCh38, 1-based): chrX:70,027,855, A>G. VCF-style: chrX-70027855-A-G. GRCh37 (hg19) VCF-style: chrX-69247705-A-G.
Other names: c.527-2A>G (NM_001005609.2, NM_001440762.1, NM_001440761.1 and 1 more transcripts).
Identifiers: ClinVar variation 4714030 (VCV004714030.2).
Genomic context (GRCh38, chrX:70,027,855, plus strand): 5'-CCTGGGCAACAGAGCAGGACTCCGTCTCAAAAAAAAAAGTAACACTGAATCCTATTTTTC[A>G]GGAAAGAAAGCAGGACCTCCTGGACCCAATGGCCCTCCAGGACCCCCAGGACCTCCAGGA-3'

ClinVar aggregate classification (germline): Pathogenic/Likely pathogenic. Review status: criteria provided, multiple submitters, no conflicts (2 of 4 stars). 2 submissions from 2 submitters: Pathogenic (1); Likely pathogenic (1). Last evaluated 2025-02-27.

Conditions:
Hypohidrotic X-linked ectodermal dysplasia (XHED). Also called: ECTODERMAL DYSPLASIA 1; Ectodermal Dysplasia 1, Anhidrotic; ECTODERMAL DYSPLASIA, HYPOHIDROTIC, 1; CST SYNDROME; Anhidrotic ectodermal dysplasia X-linked; Christ Siemens Touraine syndrome. Identifiers: Orphanet 181, Orphanet 238468, MedGen C0162359, MONDO:0010585, OMIM 305100.
EDA-related disorder. Also called: EDA-related condition; EDA-related disorders.

Submissions (2):

Labcorp Genetics (formerly Invitae), Labcorp
Classification: Pathogenic for Hypohidrotic X-linked ectodermal dysplasia. Last evaluated: 2025-02-27. Review status: criteria provided, single submitter. Criteria: Invitae Variant Classification Sherloc (09022015). Collection method: clinical testing. Allele origin: germline.
Comment: This sequence change affects an acceptor splice site in intron 3 of the EDA gene. It is expected to disrupt RNA splicing. Variants that disrupt the donor or acceptor splice site typically lead to a loss of protein function (PMID: 16199547), and loss-of-function variants in EDA are known to be pathogenic (PMID: 9683615). This variant is not present in population databases (gnomAD no frequency). Disruption of this splice site has been observed in individuals with EDA-related conditions (PMID: 24724966). Algorithms developed to predict the effect of sequence changes on RNA splicing suggest that this variant may disrupt the consensus splice site. For these reasons, this variant has been classified as Pathogenic.

Blueprint Genetics
Classification: Likely pathogenic for EDA-related disorders. Last evaluated: 2019-04-20. Review status: criteria provided, single submitter. Criteria: ACMG Guidelines, 2015. Collection method: clinical testing. Allele origin: germline. Affected: yes. Observed: 1 variant allele.

Literature cited by the submitters: PubMed 16199547 (cited by Labcorp Genetics (formerly Invitae), Labcorp); PubMed 9683615 (cited by Labcorp Genetics (formerly Invitae), Labcorp); PubMed 24724966 (cited by Labcorp Genetics (formerly Invitae), Labcorp).